The following is an entry in ClinVar:

ClinVar aggregate classification (germline): Uncertain significance (1 of 4 stars; one submission).

Submission:

Labcorp Genetics (formerly Invitae), Labcorp
Classification: Uncertain significance. Last evaluated: 2025-12-18. Review status: criteria provided, single submitter. Criteria: Invitae Variant Classification Sherloc (09022015). Collection method: clinical testing. Allele origin: germline.
Comment: This sequence change replaces valine, which is neutral and non-polar, with isoleucine, which is neutral and non-polar, at codon 360 of the LAMA1 protein (p.Val360Ile). This variant is present in population databases (rs761912756, gnomAD 0.006%). This variant has not been reported in the literature in individuals affected with LAMA1-related conditions. An algorithm developed to predict the effect of missense changes on protein structure and function (PolyPhen-2) suggests that this variant is likely to be disruptive. In summary, the available evidence is currently insufficient to determine the role of this variant in disease. Therefore, it has been classified as a Variant of Uncertain Significance.

NM_005559.4(LAMA1):c.1078G>A (p.Val360Ile)

Gene: LAMA1 (laminin subunit alpha 1; minus strand). Cytogenetic location: 18p11.31.
Variant type: single nucleotide variant.
Coding change: c.1078G>A on transcript NM_005559.4 (MANE Select); coding-DNA position 1078, G replaced by A.
Protein change: p.Val360Ile; replaces valine 360 with isoleucine.
Molecular consequence: missense variant.
Genome position (GRCh38, 1-based): chr18:7,043,304, C>T on the plus strand (G>A on the coding strand, the complement: LAMA1 is on the minus strand). VCF-style: chr18-7043304-C-T. GRCh37 (hg19) VCF-style: chr18-7043303-C-T.
Other names: short protein forms V360I.
Identifiers: ClinVar variation 4729898 (VCV004729898.1).
Genomic context (GRCh38, chr18:7,043,304, plus strand): 5'-ATCCATCAATACAGGTTTCACAGTTGATTCCCATGGTGTTCTGCAAGCAATTTATGCAAA[C>T]CCCTCCTCCTCTGAACTGTCCAGCAGTATTCAAACTTTTCTTCTGCTTTGCAACACTTTC-3'
Protein context (NP_005550.2, residues 350-370): NTAGQFRGGG[Val360Ile]CINCLQNTMG